The following is an entry in ClinVar:

ClinVar aggregate classification (germline): Uncertain significance (1 of 4 stars; one submission).

Allele frequency attached by ClinVar (database versions not stated): gnomAD 0.00001; gnomAD exomes 0.00001 and 0.00002; TOPMed 0.00001; ExAC 0.00004.
gnomAD v4.1: 17 of 1,585,534 alleles (0.0011%); highest among the groups gnomAD compares: Admixed American, 0.0018%; no homozygotes.

Submission:

Labcorp Genetics (formerly Invitae), Labcorp
Classification: Uncertain significance. Last evaluated: 2022-07-19. Review status: criteria provided, single submitter. Criteria: Invitae Variant Classification Sherloc (09022015). Collection method: clinical testing. Allele origin: germline.
Comment: ClinVar contains an entry for this variant (Variation ID: 1405646). This variant has not been reported in the literature in individuals affected with ACBD5-related conditions. This variant is present in population databases (rs767062296, gnomAD 0.005%). This sequence change falls in intron 1 of the ACBD5 gene. It does not directly change the encoded amino acid sequence of the ACBD5 protein. Algorithms developed to predict the effect of sequence changes on RNA splicing suggest that this variant may create or strengthen a splice site. In summary, the available evidence is currently insufficient to determine the role of this variant in disease. Therefore, it has been classified as a Variant of Uncertain Significance.

NM_145698.5(ACBD5):c.16-20G>A

Genes: ACBD5 (acyl-CoA binding domain containing 5; minus strand), LOC130003557 (ATAC-STARR-seq lymphoblastoid active region 3182; plus strand). Cytogenetic location: 10p12.1.
Variant type: single nucleotide variant.
Coding change: c.16-20G>A on transcript NM_145698.5 (MANE Select); 20 bases into the intron before coding-DNA position 16, G replaced by A.
Molecular consequence: intron variant. On other transcripts: 5 prime UTR variant (4).
Genome position (GRCh38, 1-based): chr10:27,240,504, C>T on the plus strand (G>A on the coding strand, the complement: ACBD5 is on the minus strand). VCF-style: chr10-27240504-C-T. GRCh37 (hg19) VCF-style: chr10-27529433-C-T.
Other names: c.-11G>A (NM_001271512.3, NM_001352571.1, NM_001352586.1 and 1 more transcripts); c.16-20G>A (NM_001352570.1, NM_001352588.1, NM_001352573.1 and 2 more transcripts); c.-181-30G>A (NM_001301253.2, NM_001352583.1, NM_001352585.1); c.-80-30G>A (NM_001352580.2, NM_001352577.2, NM_001352575.2); c.-191-20G>A (NM_001301251.2, NM_001352584.1); c.-90-20G>A (NM_001352582.2, NM_001042473.4, NM_001352574.2 and 3 more transcripts); c.47-30G>A (NM_001352572.1, NM_001352568.1).
Identifiers: ClinVar variation 1405646 (VCV001405646.8), dbSNP rs767062296, ClinGen allele CA5451051.
Genomic context (GRCh38, chr10:27,240,504, plus strand): 5'-AGGCAGCAGCAGCACCAGCTTTCCCAAGAGCCTGCATGAAACTGGAACATGGAGCGCAGC[C>T]GCGGATCAACATGCCCCAAAAGGAGGAGGCCCGGGAGCGAAGCGGGTCAGTTCCCCTTTG-3'